The following is an entry in ClinVar:

ClinVar aggregate classification (germline): Pathogenic/Likely pathogenic. Review status: criteria provided, multiple submitters, no conflicts (2 of 4 stars). 6 submissions from 6 submitters: Pathogenic (4); Likely pathogenic (2). Last evaluated 2025-12-29.

Conditions:
Congenital sideroblastic anemia-B-cell immunodeficiency-periodic fever-developmental delay syndrome. Also called: Sideroblastic anemia with B-cell immunodeficiency, periodic fevers, and developmental delay. Identifiers: Orphanet 369861, MedGen C4015172, MONDO:0014487, OMIM 616084.
TRNT1-related disorder. Also called: TRNT1-related disorders; TRNT1-related condition.
Autosomal recessive CRBN-related disorders.
Retinitis pigmentosa and erythrocytic microcytosis (RPEM). Identifiers: MedGen C4310776, MONDO:0014850, OMIM 616959.

Allele frequency attached by ClinVar (database versions not stated): gnomAD 0.00003 and 0.00004; TOPMed 0.00004; ExAC 0.00005; gnomAD exomes 0.00006 and 0.00007.
gnomAD v4.1: 106 of 1,613,526 alleles (0.0066%); highest among the groups gnomAD compares: Middle Eastern, 0.016%; no homozygotes.

Submissions (6):

Labcorp Genetics (formerly Invitae), Labcorp
Classification: Pathogenic for Congenital sideroblastic anemia-B-cell immunodeficiency-periodic fever-developmental delay syndrome. Last evaluated: 2025-12-29. Review status: criteria provided, single submitter. Criteria: Invitae Variant Classification Sherloc (09022015). Collection method: clinical testing. Allele origin: germline.
Comment: This sequence change replaces lysine, which is basic and polar, with glutamic acid, which is acidic and polar, at codon 416 of the TRNT1 protein (p.Lys416Glu). The frequency data for this variant in the population databases is considered unreliable, as metrics indicate poor data quality at this position in the gnomAD database. This missense change has been observed in individual(s) with clinical features of TRNT1-related conditions (PMID: 25193871, 29358286, 33332575, 33646446; internal data). In at least one individual the data is consistent with being in trans (on the opposite chromosome) from a pathogenic variant. It has also been observed to segregate with disease in related individuals. ClinVar contains an entry for this variant (Variation ID: 963695). Invitae Evidence Modeling of protein sequence and biophysical properties (such as structural, functional, and spatial information, amino acid conservation, physicochemical variation, residue mobility, and thermodynamic stability) indicates that this missense variant is expected to disrupt TRNT1 protein function with a positive predictive value of 80%. Experimental studies have shown that this missense change does not substantially affect TRNT1 function (PMID: 25193871). For these reasons, this variant has been classified as Pathogenic.

Variantyx, Inc.
Classification: Pathogenic for Autosomal recessive CRBN-related disorders. Last evaluated: 2025-12-01. Review status: criteria provided, single submitter. Criteria: Variantyx Assertion Criteria 2022. Collection method: clinical testing. Allele origin: germline. Inheritance: Autosomal recessive inheritance. Affected: no.
Comment: This is a nonsynonymous variant in the TRNT1 gene (OMIM: 612907). Pathogenic variants in this gene have been associated with autosomal recessive TRNT1-related disorders. This variant has been identified in the compound heterozygous state in at least 4 individuals reported in the published literature (PMID: 29358286, 32371413, 33332575, 33646446) (PM3). Multiple computational algorithms predict a deleterious effect for this variant (REVEL score: 0.703) (PP3). The variant has a 0.0075% maximum allele frequency in non-founder control populations (PM2). Based on the current evidence, this variant is classified as pathogenic for autosomal recessive TRNT1-related disorders.

Victorian Clinical Genetics Services, Murdoch Childrens Research Institute
Classification: Pathogenic for Congenital sideroblastic anemia-B-cell immunodeficiency-periodic fever-developmental delay syndrome. Last evaluated: 2024-11-12. Review status: criteria provided, single submitter. Criteria: ACMG Guidelines, 2015. Collection method: clinical testing. Allele origin: germline. Affected: yes.
Comment: This variant is classified as Pathogenic. Evidence in support of pathogenic classification: Variant is present in gnomAD <0.01 for a recessive condition (v4: 106 heterozygote(s), 0 homozygote(s)); This variant has strong previous evidence of pathogenicity in unrelated individuals. This variant has been classified once as pathogenic, and twice as likely pathogenic by clinical laboratories (ClinVar, PMID: 32371413). This variant has been reported in multiple individuals diagnosed with sideroblastic anaemia with B-cell immunodeficiency, periodic fever and developmental delay (SIFD) or displaying TRNT1-related clinical phenotypes (PMIDs: 36937953, 29358286, 33646446, 33332575, 25193871, 37467750); Missense variant consistently predicted to be damaging by in silico tool or highly conserved with a major amino acid change. Additional information: Variant is predicted to result in a missense amino acid change from lysine to glutamic acid; This variant is heterozygous; This gene is associated with autosomal recessive disease; Variant is not located in an established domain, motif, hotspot or informative constraint region; Loss of function is a known mechanism of disease in this gene and is associated with sideroblastic anaemia with B-cell immunodeficiency, periodic fevers, and developmental delay (MIM#616084) and retinitis pigmentosa and erythrocytic microcytosis (MIM#616959); Inheritance information for this variant is not currently available in this individual.

Molecular Genetics, Royal Melbourne Hospital
Classification: Likely pathogenic for Congenital sideroblastic anemia-B-cell immunodeficiency-periodic fever-developmental delay syndrome. Last evaluated: 2022-04-05. Review status: criteria provided, single submitter. Criteria: ACMG Guidelines, 2015. Collection method: clinical testing. Allele origin: germline.
Comment: This sequence change in TRNT1 is predicted to replace lysine with glutamic acid at codon 416, p.(Lys416Glu). The lysine residue is evolutionarily conserved (100 vertebrates, UCSC), and is located in a helical region with an annotated function. There is a small physicochemical difference between lysine and glutamic acid. The highest population minor allele frequency in gnomAD v2.1 is 0.01% (2/19,944 alleles) in the East Asian population, which is lower than the credible allele frequency for a recessive condition. This variant has been detected in at least six individuals (from five families) with periodic fevers, developmental delay, and varying degrees of anaemia with B-cell immunodeficiency. Of those individuals, five were compound heterozygous for the variant and a pathogenic or likely pathogenic variant and four of those were confirmed in trans by parental/family testing (PMID: 25193871, 29358286, 32371413, 33332575; Doi: 10.51271/jpea-2021-0110). Multiple lines of computational evidence have conflicting predictions for the missense substitution (4/6 algorithms predict benign). Based on the classification scheme RMH Modified ACMG Guidelines v1.4.0, this variant is classified as LIKELY PATHOGENIC. Following criteria are met: PM3_Strong, PM2_Supporting, PP1.

Blueprint Genetics
Classification: Pathogenic for TRNT1-related disorders. Last evaluated: 2022-02-28. Review status: criteria provided, single submitter. Criteria: ACMG Guidelines, 2015. Collection method: clinical testing. Allele origin: germline. Affected: yes. Observed: 1 variant allele.

Institute for Genomic Medicine (IGM) Clinical Laboratory, Nationwide Children's Hospital
Classification: Likely pathogenic for Retinitis pigmentosa and erythrocytic microcytosis; Congenital sideroblastic anemia-B-cell immunodeficiency-periodic fever-developmental delay syndrome. Last evaluated: 2018-10-31. Review status: criteria provided, single submitter. Criteria: ACMG Guidelines, 2015. Collection method: clinical testing. Allele origin: germline. Affected: yes.
Comment: [ACMG/AMP: PM2, PM3, PM_PS3] This alteration is absent from or rarely observed in large-scale population databases [PM2], is detected in trans with a known pathogenic variant [PM3].

Literature cited by the submitters: PubMed 25193871 (cited by 4 submitters); PubMed 29358286 (cited by 4 submitters); PubMed 33332575 (cited by 4 submitters); PubMed 33646446 (cited by 3 submitters); PubMed 32371413 (cited by 3 submitters); PubMed 36937953 (cited by Victorian Clinical Genetics Services, Murdoch Childrens Research Institute); PubMed 37467750 (cited by Victorian Clinical Genetics Services, Murdoch Childrens Research Institute).

NM_182916.3(TRNT1):c.1246A>G (p.Lys416Glu)

Gene: TRNT1 (tRNA nucleotidyl transferase 1; plus strand). Cytogenetic location: 3p26.2.
Variant type: single nucleotide variant.
Coding change: c.1246A>G on transcript NM_182916.3 (MANE Select); coding-DNA position 1246, A replaced by G.
Protein change: p.Lys416Glu; replaces lysine 416 with glutamic acid.
Molecular consequence: missense variant. On other transcripts: non-coding transcript variant (8).
Genome position (GRCh38, 1-based): chr3:3,148,095, A>G. VCF-style: chr3-3148095-A-G. GRCh37 (hg19) VCF-style: chr3-3189779-A-G.
Other names: c.1186A>G, p.Lys396Glu (NM_001302946.2); c.1246A>G, p.Lys416Glu (NM_001367321.1, NM_001367322.1, NM_001367323.1); short protein forms K396E, K416E.
Identifiers: ClinVar variation 963695 (VCV000963695.17), dbSNP rs199931785, ClinGen allele CA2228925.